The following is an entry in ClinVar:

NM_170606.3(KMT2C):c.3425C>T (p.Ala1142Val)

Gene: KMT2C (lysine methyltransferase 2C; minus strand). Cytogenetic location: 7q36.1.
Variant type: single nucleotide variant.
Coding change: c.3425C>T on transcript NM_170606.3 (MANE Select); coding-DNA position 3425, C replaced by T.
Protein change: p.Ala1142Val; replaces alanine 1142 with valine.
Molecular consequence: missense variant.
Genome position (GRCh38, 1-based): chr7:152,222,581, G>A on the plus strand (C>T on the coding strand, the complement: KMT2C is on the minus strand). VCF-style: chr7-152222581-G-A. GRCh37 (hg19) VCF-style: chr7-151919666-G-A.
Other names: short protein forms A1142V.
Identifiers: ClinVar variation 1676415 (VCV001676415.3), dbSNP rs1244242733, ClinGen allele CA370109472.
Genomic context (GRCh38, chr7:152,222,581, plus strand): 5'-TGCAAGTGAGTGGTACAAGAGTGCAGACTCACAGTTTAAATTATTCTCTTACCATTAGAC[G>A]CAGGCATATAGGGTCTGCACATGCTACAATCAAAACCAATGTCTGCTACATTTTCCACTT-3'
Protein context (NP_733751.2, residues 1132-1152): DCSMCRPYMP[Ala1142Val]SNVPSSDCCE

ClinVar aggregate classification (germline): Uncertain significance (1 of 4 stars; one submission).

Submission:

GeneDx
Classification: Uncertain significance. Last evaluated: 2025-11-22. Review status: criteria provided, single submitter. Criteria: GeneDx Variant Classification Process June 2021. Collection method: clinical testing. Allele origin: germline. Affected: yes.
Comment: Not observed at significant frequency in large population cohorts (gnomAD); Has not been previously published as pathogenic or benign to our knowledge; In silico analysis suggests that this missense variant does not alter protein structure/function